The following is an entry in ClinVar:

NM_001330700.2(TOP2B):c.4426T>C (p.Ser1476Pro)

Gene: TOP2B (DNA topoisomerase II beta; minus strand). Cytogenetic location: 3p24.2.
Variant type: single nucleotide variant.
Coding change: c.4426T>C on transcript NM_001330700.2 (MANE Select); coding-DNA position 4426, T replaced by C.
Protein change: p.Ser1476Pro; replaces serine 1476 with proline.
Molecular consequence: missense variant.
Genome position (GRCh38, 1-based): chr3:25,604,823, A>G on the plus strand (T>C on the coding strand, the complement: TOP2B is on the minus strand). VCF-style: chr3-25604823-A-G. GRCh37 (hg19) VCF-style: chr3-25646314-A-G.
Other names: c.4411T>C, p.Ser1471Pro (NM_001068.3); short protein forms S1476P, S1471P.
Identifiers: ClinVar variation 2113065 (VCV002113065.4), dbSNP rs954666241, ClinGen allele CA71621710.

ClinVar aggregate classification (germline): Uncertain significance (1 of 4 stars; one submission).

Allele frequency attached by ClinVar (database versions not stated): gnomAD exomes 0.00001; TOPMed 0.00001.
gnomAD v4.1: 3 of 1,612,974 alleles (0.00019%); highest among the groups gnomAD compares: Non-Finnish European, 0.00025%; no homozygotes.

Submission:

Labcorp Genetics (formerly Invitae), Labcorp
Classification: Uncertain significance. Last evaluated: 2022-03-24. Review status: criteria provided, single submitter. Criteria: Invitae Variant Classification Sherloc (09022015). Collection method: clinical testing. Allele origin: germline.
Comment: In summary, the available evidence is currently insufficient to determine the role of this variant in disease. Therefore, it has been classified as a Variant of Uncertain Significance. Algorithms developed to predict the effect of missense changes on protein structure and function (SIFT, PolyPhen-2, Align-GVGD) all suggest that this variant is likely to be tolerated. This variant has not been reported in the literature in individuals affected with TOP2B-related conditions. This variant is not present in population databases (gnomAD no frequency). This sequence change replaces serine, which is neutral and polar, with proline, which is neutral and non-polar, at codon 1471 of the TOP2B protein (p.Ser1471Pro).